The following is an entry in ClinVar:

ClinVar aggregate classification (germline): Uncertain significance. Review status: criteria provided, single submitter (1 of 4 stars). 2 submissions from 2 submitters: Uncertain significance (1). 1 of the submissions does not count toward it. Last evaluated 2024-03-21.

Conditions:
Lethal congenital glycogen storage disease of heart. Also called: GLYCOGEN STORAGE DISEASE OF HEART; PHOSPHORYLASE KINASE DEFICIENCY OF HEART. Identifiers: Orphanet 439854, MedGen C1849813, MONDO:0009867, OMIM 261740.
Left ventricular hypertrophy. Identifiers: MedGen C0149721, HP:0001712.

Allele frequency attached by ClinVar (database versions not stated): gnomAD exomes below 0.00001; TOPMed 0.00001.
gnomAD v4.1: 2 of 1,613,950 alleles (0.00012%); highest among the groups gnomAD compares: African/African-American, 0.0027%; no homozygotes.

Submissions (2):

Labcorp Genetics (formerly Invitae), Labcorp
Classification: Uncertain significance for Lethal congenital glycogen storage disease of heart. Last evaluated: 2024-03-21. Review status: criteria provided, single submitter. Criteria: Invitae Variant Classification Sherloc (09022015). Collection method: clinical testing. Allele origin: germline.
Comment: This sequence change replaces leucine, which is neutral and non-polar, with valine, which is neutral and non-polar, at codon 460 of the PRKAG2 protein (p.Leu460Val). This variant is present in population databases (no rsID available, gnomAD 0.007%). This variant has not been reported in the literature in individuals affected with PRKAG2-related conditions. ClinVar contains an entry for this variant (Variation ID: 241093). Advanced modeling of protein sequence and biophysical properties (such as structural, functional, and spatial information, amino acid conservation, physicochemical variation, residue mobility, and thermodynamic stability) has been performed at Invitae for this missense variant, however the output from this modeling did not meet the statistical confidence thresholds required to predict the impact of this variant on PRKAG2 protein function. In summary, the available evidence is currently insufficient to determine the role of this variant in disease. Therefore, it has been classified as a Variant of Uncertain Significance.

Clinical Molecular Genetics Laboratory, Johns Hopkins All Children's Hospital
Classification: Uncertain significance for Left ventricular hypertrophy. Last evaluated: 2016-01-22. Review status: no assertion criteria provided. Collection method: clinical testing. Allele origin: germline. Affected: yes. Not counted in ClinVar's aggregate classification.

NM_016203.4(PRKAG2):c.1378C>G (p.Leu460Val)

Gene: PRKAG2 (protein kinase AMP-activated non-catalytic subunit gamma 2; minus strand). Cytogenetic location: 7q36.1.
Variant type: single nucleotide variant.
Coding change: c.1378C>G on transcript NM_016203.4 (MANE Select); coding-DNA position 1378, C replaced by G.
Protein change: p.Leu460Val; replaces leucine 460 with valine.
Molecular consequence: missense variant.
Genome position (GRCh38, 1-based): chr7:151,565,741, G>C on the plus strand (C>G on the coding strand, the complement: PRKAG2 is on the minus strand). VCF-style: chr7-151565741-G-C. GRCh37 (hg19) VCF-style: chr7-151262827-G-C.
Other names: c.1246C>G, p.Leu416Val (NM_001040633.2); c.1003C>G, p.Leu335Val (NM_001304527.2); c.655C>G, p.Leu219Val (NM_001304531.2, NM_024429.2); c.1006C>G, p.Leu336Val (NM_001363698.2); short protein forms L460V, L336V, L335V, L416V, L219V.
Identifiers: ClinVar variation 241093 (VCV000241093.8), dbSNP rs878855018, ClinGen allele CA10582470.